The following is an entry in ClinVar:

NM_014704.4(CEP104):c.45C>T (p.His15=)

Gene: CEP104 (centrosomal protein 104; minus strand). Cytogenetic location: 1p36.32.
Variant type: single nucleotide variant.
Coding change: c.45C>T on transcript NM_014704.4 (MANE Select); coding-DNA position 45, C replaced by T.
Protein change: p.His15=; no amino-acid change (histidine 15 retained).
Molecular consequence: synonymous variant.
Genome position (GRCh38, 1-based): chr1:3,852,363, G>A on the plus strand (C>T on the coding strand, the complement: CEP104 is on the minus strand). VCF-style: chr1-3852363-G-A. GRCh37 (hg19) VCF-style: chr1-3768927-G-A.
Other names: c.45C>T (NM_014704.3).
Identifiers: ClinVar variation 2048546 (VCV002048546.6), dbSNP rs138006027, ClinGen allele CA552085.

ClinVar aggregate classification (germline): Likely benign. Review status: criteria provided, multiple submitters, no conflicts (2 of 4 stars). 3 submissions from 3 submitters: Likely benign (3). Last evaluated 2026-04-03.

Conditions:
CEP104-related disorder. Also called: CEP104-related condition.
Joubert syndrome 25 (JBTS25). Identifiers: Orphanet 475, MedGen C4084842, MONDO:0014770, OMIM 616781.

Allele frequency attached by ClinVar (database versions not stated): TOPMed 0.00006; ESP Exome Variant Server 0.00008; ExAC 0.00009.
gnomAD v4.1: 198 of 1,613,990 alleles (0.012%); highest among the groups gnomAD compares: Middle Eastern, 0.033%; no homozygotes.

Submissions (3):

PreventionGenetics, part of Exact Sciences
Classification: Likely benign for CEP104-related condition. Last evaluated: 2026-04-03. Review status: criteria provided, single submitter. Criteria: ACMG Guidelines, 2015. Collection method: clinical testing. Allele origin: germline.
Comment: This variant is classified as likely benign based on ACMG/AMP sequence variant interpretation guidelines (Richards et al. 2015 PMID: 25741868, with internal and published modifications).

Labcorp Genetics (formerly Invitae), Labcorp
Classification: Likely benign for Joubert syndrome 25. Last evaluated: 2025-12-07. Review status: criteria provided, single submitter. Criteria: Invitae Variant Classification Sherloc (09022015). Collection method: clinical testing. Allele origin: germline.

Blueprint Genetics
Classification: Likely benign. Last evaluated: 2024-08-29. Review status: criteria provided, single submitter. Criteria: ACMG Guidelines, 2015. Collection method: clinical testing. Allele origin: germline.